The following is an entry in ClinVar:

NM_001287491.2(TET3):c.4421C>T (p.Ser1474Phe)

Gene: TET3 (tet methylcytosine dioxygenase 3; plus strand). Cytogenetic location: 2p13.1.
Variant type: single nucleotide variant.
Coding change: c.4421C>T on transcript NM_001287491.2 (MANE Select); coding-DNA position 4421, C replaced by T.
Protein change: p.Ser1474Phe; replaces serine 1474 with phenylalanine.
Molecular consequence: missense variant.
Genome position (GRCh38, 1-based): chr2:74,101,209, C>T. VCF-style: chr2-74101209-C-T. GRCh37 (hg19) VCF-style: chr2-74328336-C-T.
Other names: c.4142C>T, p.Ser1381Phe (NM_001366022.1); short protein forms S1381F, S1474F.
Identifiers: ClinVar variation 3360349 (VCV003360349.2).
Genomic context (GRCh38, chr2:74,101,209, plus strand): 5'-GCAGCTGGGGTGTGTTCTCGTCTGGGGAGAGTCCTGCCATCGTCCCTGACAAGCTCAGTT[C>T]CTTTGGGGCCAGCTGCCTGGCCCCTTCCCACTTCACAGATGGCCAGTGGGGGCTGTTCCC-3'
Protein context (NP_001274420.1, residues 1464-1484): SPAIVPDKLS[Ser1474Phe]FGASCLAPSH

ClinVar aggregate classification (germline): Uncertain significance (1 of 4 stars; one submission).

gnomAD v4.1: 1 of 1,613,334 alleles (0.000062%); highest among the groups gnomAD compares: East Asian, 0.0022%; no homozygotes.

Submission:

GeneDx
Classification: Uncertain significance. Last evaluated: 2026-05-26. Review status: criteria provided, single submitter. Criteria: GeneDx Variant Classification Process June 2021. Collection method: clinical testing. Allele origin: germline.
Comment: Has not been previously published as pathogenic or benign to our knowledge; In silico analysis suggests that this missense variant does not alter protein structure/function; Not observed at significant frequency in large population cohorts (gnomAD)